The following is an entry in ClinVar:

NM_018133.4(MSL2):c.544C>T (p.Leu182Phe)

Gene: MSL2 (MSL complex subunit 2; minus strand). Cytogenetic location: 3q22.3.
Variant type: single nucleotide variant.
Coding change: c.544C>T on transcript NM_018133.4 (MANE Select); coding-DNA position 544, C replaced by T.
Protein change: p.Leu182Phe; replaces leucine 182 with phenylalanine.
Molecular consequence: missense variant.
Genome position (GRCh38, 1-based): chr3:136,152,337, G>A on the plus strand (C>T on the coding strand, the complement: MSL2 is on the minus strand). VCF-style: chr3-136152337-G-A. GRCh37 (hg19) VCF-style: chr3-135871179-G-A.
Other names: c.322C>T, p.Leu108Phe (NM_001145417.2); short protein forms L108F, L182F.
Identifiers: ClinVar variation 4871945 (VCV004871945.2).

ClinVar aggregate classification (germline): Likely benign (1 of 4 stars; one submission).

gnomAD v4.1: 4,131 of 1,614,168 alleles (0.26%); highest among the groups gnomAD compares: Non-Finnish European, 0.27%; 12 homozygotes.

Submission:

CeGaT Center for Human Genetics Tuebingen
Classification: Likely benign. Last evaluated: 2026-08-01. Review status: criteria provided, single submitter. Criteria: CeGaT Center For Human Genetics Tuebingen Variant Classification Criteria Version 2. Collection method: clinical testing. Allele origin: germline. Affected: yes. Observed: 3 variant alleles.
Comment: MSL2: BS1